The following is an entry in ClinVar:

ClinVar aggregate classification (germline): Uncertain significance (1 of 4 stars; one submission).

Conditions:
Congenital disorder of glycosylation, type Iaa. Also called: Congenital disorder of glycosylation, type 1aa. Identifiers: MedGen C4310727, MONDO:0014904, OMIM 617082.

Submission:

Labcorp Genetics (formerly Invitae), Labcorp
Classification: Uncertain significance for Congenital disorder of glycosylation, type Iaa. Last evaluated: 2023-02-22. Review status: criteria provided, single submitter. Criteria: Invitae Variant Classification Sherloc (09022015). Collection method: clinical testing. Allele origin: germline.
Comment: In summary, the available evidence is currently insufficient to determine the role of this variant in disease. Therefore, it has been classified as a Variant of Uncertain Significance. An algorithm developed to predict the effect of missense changes on protein structure and function (PolyPhen-2) suggests that this variant is likely to be tolerated. This variant has not been reported in the literature in individuals affected with NUS1-related conditions. This variant is not present in population databases (gnomAD no frequency). This sequence change replaces isoleucine, which is neutral and non-polar, with valine, which is neutral and non-polar, at codon 129 of the NUS1 protein (p.Ile129Val).

NM_138459.5(NUS1):c.385A>G (p.Ile129Val)

Gene: NUS1 (NUS1 dehydrodolichyl diphosphate synthase subunit; plus strand). Cytogenetic location: 6q22.1.
Variant type: single nucleotide variant.
Coding change: c.385A>G on transcript NM_138459.5 (MANE Select); coding-DNA position 385, A replaced by G.
Protein change: p.Ile129Val; replaces isoleucine 129 with valine.
Molecular consequence: missense variant.
Genome position (GRCh38, 1-based): chr6:117,676,055, A>G. VCF-style: chr6-117676055-A-G. GRCh37 (hg19) VCF-style: chr6-117997218-A-G.
Other names: short protein forms I129V.
Identifiers: ClinVar variation 3020272 (VCV003020272.3), dbSNP rs2481983925, ClinGen allele CA365536508.